The following is an entry in ClinVar:

NM_052813.5(CARD9):c.1517G>A (p.Arg506His)

Gene: CARD9 (caspase recruitment domain family member 9; minus strand). Cytogenetic location: 9q34.3.
Variant type: single nucleotide variant.
Coding change: c.1517G>A on transcript NM_052813.5 (MANE Select); coding-DNA position 1517, G replaced by A.
Protein change: p.Arg506His; replaces arginine 506 with histidine.
Molecular consequence: missense variant. On other transcripts: intron variant (1).
Genome position (GRCh38, 1-based): chr9:136,364,396, C>T on the plus strand (G>A on the coding strand, the complement: CARD9 is on the minus strand). VCF-style: chr9-136364396-C-T. GRCh37 (hg19) VCF-style: chr9-139258848-C-T.
Other names: c.1441+157G>A (NM_052814.4); short protein forms R506H.
Identifiers: ClinVar variation 1438789 (VCV001438789.7), dbSNP rs1285747619, ClinGen allele CA375540847.

ClinVar aggregate classification (germline): Uncertain significance (1 of 4 stars; one submission).

Conditions:
Predisposition to invasive fungal disease due to CARD9 deficiency (IMD103). Also called: IMMUNODEFICIENCY 103, SUSCEPTIBILITY TO FUNGAL INFECTIONS; Candidiasis, familial, 2, autosomal recessive; CARD9 IMMUNODEFICIENCY. Identifiers: Orphanet 457088, MedGen C1859353, MONDO:0008905, OMIM 212050.

Allele frequency attached by ClinVar (database versions not stated): gnomAD 0.00001; TOPMed 0.00001; gnomAD exomes 0.00002.
gnomAD v4.1: 7 of 1,554,062 alleles (0.00045%); highest among the groups gnomAD compares: South Asian, 0.0012%; no homozygotes.

Submission:

Labcorp Genetics (formerly Invitae), Labcorp
Classification: Uncertain significance for Predisposition to invasive fungal disease due to CARD9 deficiency. Last evaluated: 2022-08-16. Review status: criteria provided, single submitter. Criteria: Invitae Variant Classification Sherloc (09022015). Collection method: clinical testing. Allele origin: germline.
Comment: ClinVar contains an entry for this variant (Variation ID: 1438789). In summary, the available evidence is currently insufficient to determine the role of this variant in disease. Therefore, it has been classified as a Variant of Uncertain Significance. Algorithms developed to predict the effect of missense changes on protein structure and function are either unavailable or do not agree on the potential impact of this missense change (SIFT: "Deleterious"; PolyPhen-2: "Probably Damaging"; Align-GVGD: "Class C0"). This variant has not been reported in the literature in individuals affected with CARD9-related conditions. The frequency data for this variant in the population databases is considered unreliable, as metrics indicate poor data quality at this position in the gnomAD database. This sequence change replaces arginine, which is basic and polar, with histidine, which is basic and polar, at codon 506 of the CARD9 protein (p.Arg506His).